The following is an entry in ClinVar:

NM_001113491.2(SEPTIN9):c.97G>A (p.Val33Ile)

Gene: SEPTIN9 (septin 9; plus strand). Cytogenetic location: 17q25.3.
Variant type: single nucleotide variant.
Coding change: c.97G>A on transcript NM_001113491.2 (MANE Select); coding-DNA position 97, G replaced by A.
Protein change: p.Val33Ile; replaces valine 33 with isoleucine.
Molecular consequence: missense variant. On other transcripts: 5 prime UTR variant (2).
Genome position (GRCh38, 1-based): chr17:77,402,079, G>A. VCF-style: chr17-77402079-G-A. GRCh37 (hg19) VCF-style: chr17-75398161-G-A.
Other names: c.-396G>A (NM_001113492.2, NM_001113494.1); c.76G>A, p.Val26Ile (NM_001113493.2); c.40G>A, p.Val14Ile (NM_001293695.2); c.43G>A, p.Val15Ile (NM_006640.5); short protein forms V14I, V15I, V26I, V33I.
Identifiers: ClinVar variation 2445571 (VCV002445571.4), dbSNP rs2509883339, ClinGen allele CA401205483.
Genomic context (GRCh38, chr17:77,402,079, plus strand): 5'-CATCCATTCACCAATTGCATCCCCTCTCTTTATTTTTCAGCCTTGAAAAGATCTTTTGAG[G>A]TCGAGGAGGTCGAGACACCCAACTCCACCCCACCCCGGAGGGTCCAGACTCCCCTACTCC-3'
Protein context (NP_001106963.1, residues 23-43): SGPALKRSFE[Val33Ile]EEVETPNSTP

ClinVar aggregate classification (germline): Uncertain significance (1 of 4 stars; one submission).

Allele frequency attached by ClinVar (database versions not stated): gnomAD exomes below 0.00001.

Submission:

Labcorp Genetics (formerly Invitae), Labcorp
Classification: Uncertain significance. Last evaluated: 2022-01-26. Review status: criteria provided, single submitter. Criteria: Invitae Variant Classification Sherloc (09022015). Collection method: clinical testing. Allele origin: germline.
Comment: Algorithms developed to predict the effect of missense changes on protein structure and function are either unavailable or do not agree on the potential impact of this missense change (SIFT: "Deleterious"; PolyPhen-2: "Probably Damaging"; Align-GVGD: "Class C0"). This variant has not been reported in the literature in individuals affected with SEPT9-related conditions. This variant is not present in population databases (gnomAD no frequency). This sequence change replaces valine, which is neutral and non-polar, with isoleucine, which is neutral and non-polar, at codon 15 of the SEPT9 protein (p.Val15Ile). In summary, the available evidence is currently insufficient to determine the role of this variant in disease. Therefore, it has been classified as a Variant of Uncertain Significance.